The following is an entry in ClinVar:

NM_001077350.3(NPRL3):c.1557C>G (p.Tyr519Ter)

Gene: NPRL3 (NPR3 like, GATOR1 complex subunit; minus strand). Cytogenetic location: 16p13.3.
Variant type: single nucleotide variant.
Coding change: c.1557C>G on transcript NM_001077350.3 (MANE Select); coding-DNA position 1557, C replaced by G.
Protein change: p.Tyr519Ter; replaces tyrosine 519 with a stop codon.
Molecular consequence: nonsense.
Genome position (GRCh38, 1-based): chr16:86,858, G>C on the plus strand (C>G on the coding strand, the complement: NPRL3 is on the minus strand). VCF-style: chr16-86858-G-C. GRCh37 (hg19) VCF-style: chr16-136857-G-C.
Other names: c.1020C>G, p.Tyr340Ter (NM_001039476.3); c.1323C>G, p.Tyr441Ter (NM_001243247.2); c.1482C>G, p.Tyr494Ter (NM_001243248.2, NM_001243249.2); short protein forms Y340*, Y494*, Y519*, Y441*.
Identifiers: ClinVar variation 1350974 (VCV001350974.9), dbSNP rs2141895094, ClinGen allele CA394045738.

ClinVar aggregate classification (germline): Uncertain significance. Review status: criteria provided, multiple submitters, no conflicts (2 of 4 stars). 2 submissions from 2 submitters: Uncertain significance (2). Last evaluated 2022-03-31.

Conditions:
Epilepsy, familial focal, with variable foci 3 (FFEVF3). Identifiers: MedGen C4310708, MONDO:0014925, OMIM 617118.

Submissions (2):

Victorian Clinical Genetics Services, Murdoch Childrens Research Institute
Classification: Uncertain significance for Epilepsy, familial focal, with variable foci 3. Last evaluated: 2022-03-31. Review status: criteria provided, single submitter. Criteria: ACMG Guidelines, 2015. Collection method: clinical testing. Allele origin: germline. Inheritance: Autosomal dominant inheritance.
Comment: Based on the classification scheme VCGS_Germline_v1.3.4, this variant is classified as VUS-3A. Following criteria are met: 0102 - Loss of function is a known mechanism of disease in this gene and is associated with Familial focal epilepsy with variable foci 3 (MIM#617118). (I) 0107 - This gene is associated with autosomal dominant disease. (I) 0112 - The condition associated with this gene has incomplete penetrance (OMIM, PMID: 26505888). (I) 0205 - Variant is predicted to result in a truncated protein (premature termination codon is NOT located at least 54 nucleotides upstream of the final exon-exon junction) with less than 1/3 of the protein sequence affected. (SP) 0251 - This variant is heterozygous. (I) 0301 - Variant is absent from gnomAD (both v2 and v3). (SP) 0600 - Variant is located in the annotated C-terminal domain (PMID: 30093711). (I) 0710 - Other variants predicted to result in a truncated protein downstream to the one identified in this case have inconclusive previous evidence for pathogenicity. p.(Arg521Alafs*33) has been reported as a VUS in an individual with affected status unknown, and p.(Arg521Profs*25) has been reported as likely pathogenic in affected individual who inherited it from the mother, but no further evidence was provided (ClinVar). (I) 0803 - This variant has limited previous evidence of pathogenicity in an individual with sleep-related hypermotor epilepsy (PMID: 30093711). (SP) 0905 - No published segregation evidence has been identified for this variant. (I) 1007 - No published functional evidence has been identified for this variant. (I) Legend: (SP) - Supporting pathogenic, (I) - Information, (SB) - Supporting benign

Labcorp Genetics (formerly Invitae), Labcorp
Classification: Uncertain significance for Epilepsy, familial focal, with variable foci 3. Last evaluated: 2020-12-06. Review status: criteria provided, single submitter. Criteria: Invitae Variant Classification Sherloc (09022015). Collection method: clinical testing. Allele origin: germline.
Comment: This variant disrupts a region of the protein in which other variant(s) (p.Ser549Arg) have been observed in individuals with NPRL3-related conditions (Invitae). This suggests that this may be a clinically significant region of the NPRL3 protein. In summary, the available evidence is currently insufficient to determine the role of this variant in disease. Therefore, it has been classified as a Variant of Uncertain Significance. This variant has been observed in individual(s) with NPRL3-related conditions (PMID: 30093711). This variant is not present in population databases (ExAC no frequency). This sequence change results in a premature translational stop signal in the NPRL3 gene (p.Tyr519*). While this is not anticipated to result in nonsense mediated decay, it is expected to disrupt the last 51 amino acid(s) of the NPRL3 protein.

Literature cited by the submitters: PubMed 26505888 (cited by Victorian Clinical Genetics Services, Murdoch Childrens Research Institute); PubMed 30093711 (cited by Victorian Clinical Genetics Services, Murdoch Childrens Research Institute and Labcorp Genetics (formerly Invitae), Labcorp).